The following is an entry in ClinVar:

NM_001394372.1(BICRA):c.4098G>A (p.Pro1366=)

Gene: BICRA (BRD4 interacting chromatin remodeling complex associated protein; plus strand). Cytogenetic location: 19q13.33.
Variant type: single nucleotide variant.
Coding change: c.4098G>A on transcript NM_001394372.1 (MANE Select); coding-DNA position 4098, G replaced by A.
Protein change: p.Pro1366=; no amino-acid change (proline 1366 retained).
Molecular consequence: synonymous variant.
Genome position (GRCh38, 1-based): chr19:47,701,830, G>A. VCF-style: chr19-47701830-G-A. GRCh37 (hg19) VCF-style: chr19-48205087-G-A.
Other names: c.4098G>A, p.Pro1366= (NM_015711.3).
Identifiers: ClinVar variation 4872405 (VCV004872405.2).

ClinVar aggregate classification (germline): Likely benign (1 of 4 stars; one submission).

gnomAD v4.1: 84 of 1,522,974 alleles (0.0055%); highest among the groups gnomAD compares: Admixed American, 0.051%; no homozygotes.

Submission:

CeGaT Center for Human Genetics Tuebingen
Classification: Likely benign. Last evaluated: 2026-06-01. Review status: criteria provided, single submitter. Criteria: CeGaT Center For Human Genetics Tuebingen Variant Classification Criteria Version 2. Collection method: clinical testing. Allele origin: germline. Affected: yes. Observed: 1 variant allele.
Comment: BICRA: BP4, BP7